The following is an entry in ClinVar:

NM_006231.4(POLE):c.1296A>G (p.Leu432=)

Gene: POLE (DNA polymerase epsilon, catalytic subunit; minus strand). Cytogenetic location: 12q24.33.
Variant type: single nucleotide variant.
Coding change: c.1296A>G on transcript NM_006231.4 (MANE Select); coding-DNA position 1296, A replaced by G.
Protein change: p.Leu432=; no amino-acid change (leucine 432 retained).
Molecular consequence: synonymous variant.
Genome position (GRCh38, 1-based): chr12:132,673,638, T>C on the plus strand (A>G on the coding strand, the complement: POLE is on the minus strand). VCF-style: chr12-132673638-T-C. GRCh37 (hg19) VCF-style: chr12-133250224-T-C.
Identifiers: ClinVar variation 382180 (VCV000382180.61), dbSNP rs142624113, ClinGen allele CA6894012.

ClinVar aggregate classification (germline): Benign/Likely benign. Review status: criteria provided, multiple submitters, no conflicts (2 of 4 stars). 6 submissions from 6 submitters: Benign (1); Likely benign (4). 1 of the submissions does not count toward it. Last evaluated 2026-01-27.

Conditions:
Hereditary cancer-predisposing syndrome. Also called: Tumor predisposition; Hereditary neoplastic syndrome; Neoplastic Syndromes, Hereditary; Hereditary Cancer Syndrome. Identifiers: Orphanet 140162, MedGen C0027672, MeSH D009386, MONDO:0015356.
Colorectal cancer, susceptibility to, 12 (CRCS12). Also called: COLORECTAL CANCER, SUSCEPTIBILITY TO, ON CHROMOSOME 12q24. Identifiers: Orphanet 220460, MedGen C3554460, MONDO:0014038, OMIM 615083.
POLE-related disorder. Also called: POLE-related disorders; POLE-related condition.

Allele frequency attached by ClinVar (database versions not stated): ExAC 0.00002; gnomAD exomes 0.00002 and 0.00003; gnomAD 0.00004; TOPMed 0.00005; 1000 Genomes Project 30x 0.00016; 1000 Genomes Project 0.00020.

Submissions (6):

Labcorp Genetics (formerly Invitae), Labcorp
Classification: Likely benign. Last evaluated: 2026-01-27. Review status: criteria provided, single submitter. Criteria: Invitae Variant Classification Sherloc (09022015). Collection method: clinical testing. Allele origin: germline.

Quest Diagnostics Nichols Institute San Juan Capistrano
Classification: Likely benign. Last evaluated: 2025-06-24. Review status: criteria provided, single submitter. Criteria: Quest Diagnostics criteria. Collection method: clinical testing. Allele origin: unknown.

Myriad Genetics, Inc.
Classification: Benign for Colorectal cancer, susceptibility to, 12. Last evaluated: 2025-02-10. Review status: criteria provided, single submitter. Criteria: Myriad Autosomal Dominant, Autosomal Recessive and X-Linked Classification Criteria (2023). Collection method: clinical testing. Allele origin: unknown.
Comment: This variant is considered benign. This variant is a silent/synonymous amino acid change and it is not expected to impact splicing.

GeneDx
Classification: Likely benign. Last evaluated: 2019-09-25. Review status: criteria provided, single submitter. Criteria: GeneDx Variant Classification Process June 2021. Collection method: clinical testing. Allele origin: germline. Affected: yes.

Ambry Genetics
Classification: Likely benign for Hereditary cancer-predisposing syndrome. Last evaluated: 2017-09-19. Review status: criteria provided, single submitter. Criteria: Ambry Variant Classification Scheme 2023. Collection method: clinical testing. Allele origin: germline.

PreventionGenetics, part of Exact Sciences
Classification: Likely benign for POLE-related condition. Last evaluated: 2022-03-17. Review status: no assertion criteria provided. Collection method: clinical testing. Allele origin: germline. Not counted in ClinVar's aggregate classification.
Comment: This variant is classified as likely benign based on ACMG/AMP sequence variant interpretation guidelines (Richards et al. 2015 PMID: 25741868, with internal and published modifications).